The following is an entry in ClinVar:

NM_017617.5(NOTCH1):c.2433C>T (p.Ala811=)

Gene: NOTCH1 (notch receptor 1; minus strand). Cytogenetic location: 9q34.3.
Variant type: single nucleotide variant.
Coding change: c.2433C>T on transcript NM_017617.5 (MANE Select); coding-DNA position 2433, C replaced by T.
Protein change: p.Ala811=; no amino-acid change (alanine 811 retained).
Molecular consequence: synonymous variant.
Genome position (GRCh38, 1-based): chr9:136,513,055, G>A on the plus strand (C>T on the coding strand, the complement: NOTCH1 is on the minus strand). VCF-style: chr9-136513055-G-A. GRCh37 (hg19) VCF-style: chr9-139407507-G-A.
Other names: c.2433C>T (NM_017617.4).
Identifiers: ClinVar variation 699001 (VCV000699001.20), dbSNP rs61751552, ClinGen allele CA5341358.

ClinVar aggregate classification (germline): Likely benign. Review status: criteria provided, multiple submitters, no conflicts (2 of 4 stars). 8 submissions from 7 submitters: Likely benign (7). 1 of the submissions does not count toward it. Last evaluated 2025-10-12.

Conditions:
NOTCH1-related disorder. Also called: NOTCH1-related condition; NOTCH1-related disorders.
Familial thoracic aortic aneurysm and aortic dissection (TAAD). Also called: Thoracic aortic aneurysms and dissections. Identifiers: Orphanet 91387, MedGen C4707243, MONDO:0019625.
Adams-Oliver syndrome 5 (AOS5). Identifiers: Orphanet 974, MedGen C4014970, MONDO:0014459, OMIM 616028.
Aortic valve disease 1 (AOVD1). Identifiers: MedGen C3887892, MONDO:0024523, OMIM 109730.

Allele frequency attached by ClinVar (database versions not stated): ESP Exome Variant Server 0.00008; TOPMed 0.00013; 1000 Genomes Project 30x 0.00016; 1000 Genomes Project 0.00020; gnomAD 0.00020.
gnomAD v4.1: 76 of 1,357,954 alleles (0.0056%); highest among the groups gnomAD compares: African/African-American, 0.059%; no homozygotes.

Submissions (8):

Labcorp Genetics (formerly Invitae), Labcorp
Classification: Likely benign for Adams-Oliver syndrome 5. Last evaluated: 2025-10-12. Review status: criteria provided, single submitter. Criteria: Invitae Variant Classification Sherloc (09022015). Collection method: clinical testing. Allele origin: germline.

Blueprint Genetics
Classification: Likely benign. Last evaluated: 2024-11-14. Review status: criteria provided, single submitter. Criteria: ACMG Guidelines, 2015. Collection method: clinical testing. Allele origin: germline.

Ambry Genetics
Classification: Likely benign for Familial thoracic aortic aneurysm and aortic dissection. Last evaluated: 2022-08-03. Review status: criteria provided, single submitter. Criteria: Ambry Variant Classification Scheme 2023. Collection method: clinical testing. Allele origin: germline.

Genome-Nilou Lab
Classification: Likely benign for Adams-Oliver syndrome 5. Last evaluated: 2022-03-15. Review status: criteria provided, single submitter. Criteria: ACMG Guidelines, 2015. Collection method: clinical testing. Allele origin: germline. Affected: no.

Genome-Nilou Lab
Classification: Likely benign for Aortic valve disease 1. Last evaluated: 2022-03-15. Review status: criteria provided, single submitter. Criteria: ACMG Guidelines, 2015. Collection method: clinical testing. Allele origin: germline. Affected: no.

CHEO Genetics Diagnostic Laboratory, Children's Hospital of Eastern Ontario
Classification: Likely benign for Familial thoracic aortic aneurysm and aortic dissection. Last evaluated: 2021-12-30. Review status: criteria provided, single submitter. Criteria: ACMG Guidelines, 2015. Collection method: clinical testing. Allele origin: germline.

GeneDx
Classification: Likely benign. Last evaluated: 2021-06-25. Review status: criteria provided, single submitter. Criteria: GeneDx Variant Classification Process June 2021. Collection method: clinical testing. Allele origin: germline. Affected: yes.

PreventionGenetics, part of Exact Sciences
Classification: Likely benign for NOTCH1-related condition. Last evaluated: 2019-07-30. Review status: no assertion criteria provided. Collection method: clinical testing. Allele origin: germline. Not counted in ClinVar's aggregate classification.
Comment: This variant is classified as likely benign based on ACMG/AMP sequence variant interpretation guidelines (Richards et al. 2015 PMID: 25741868, with internal and published modifications).